The following is an entry in ClinVar:

NM_001540.5(HSPB1):c.429-7C>G

Gene: HSPB1 (heat shock protein family B (small) member 1; plus strand). Cytogenetic location: 7q11.23.
Variant type: single nucleotide variant.
Coding change: c.429-7C>G on transcript NM_001540.5 (MANE Select); 7 bases into the intron before coding-DNA position 429, C replaced by G.
Molecular consequence: intron variant.
Genome position (GRCh38, 1-based): chr7:76,303,977, C>G. VCF-style: chr7-76303977-C-G. GRCh37 (hg19) VCF-style: chr7-75933294-C-G.
Identifiers: ClinVar variation 2184970 (VCV002184970.4), dbSNP rs375972376, ClinGen allele CA4306416.

ClinVar aggregate classification (germline): Uncertain significance (1 of 4 stars; one submission).

Conditions:
Charcot-Marie-Tooth disease axonal type 2F (CMT2F). Also called: CHARCOT-MARIE-TOOTH DISEASE, NEURONAL, TYPE 2F; Charcot-Marie-Tooth Neuropathy Type 2F. Identifiers: Orphanet 99940, MedGen C1847823, MONDO:0011687, OMIM 606595.

gnomAD v4.1: 11 of 1,613,560 alleles (0.00068%); highest among the groups gnomAD compares: South Asian, 0.012%; 1 homozygote.

Submission:

Labcorp Genetics (formerly Invitae), Labcorp
Classification: Uncertain significance for Charcot-Marie-Tooth disease axonal type 2F. Last evaluated: 2022-07-25. Review status: criteria provided, single submitter. Criteria: Invitae Variant Classification Sherloc (09022015). Collection method: clinical testing. Allele origin: germline.
Comment: This sequence change falls in intron 2 of the HSPB1 gene. It does not directly change the encoded amino acid sequence of the HSPB1 protein. In summary, the available evidence is currently insufficient to determine the role of this variant in disease. Therefore, it has been classified as a Variant of Uncertain Significance. Algorithms developed to predict the effect of sequence changes on RNA splicing suggest that this variant may disrupt the consensus splice site. This variant has not been reported in the literature in individuals affected with HSPB1-related conditions. This variant is present in population databases (rs375972376, gnomAD 0.007%).